The following is an entry in ClinVar:

NM_001377.3(DYNC2H1):c.10495_10496delinsTT (p.Ala3499Phe)

Gene: DYNC2H1 (dynein cytoplasmic 2 heavy chain 1; plus strand). Cytogenetic location: 11q22.3.
Variant type: Indel.
Coding change: c.10495_10496delinsTT on transcript NM_001377.3 (MANE Select); coding-DNA positions 10495 to 10496, GC replaced by TT.
Protein change: p.Ala3499Phe; replaces alanine 3499 with phenylalanine.
Molecular consequence: missense variant.
Genome position (GRCh38, 1-based): chr11:103,257,641-103,257,642, GC replaced by TT. VCF-style: chr11-103257641-GC-TT. GRCh37 (hg19) VCF-style: chr11-103128370-GC-TT.
Other names: c.10516_10517delinsTT, p.Ala3506Phe (NM_001080463.2); short protein forms A3506F, A3499F.
Identifiers: ClinVar variation 1390067 (VCV001390067.6), dbSNP rs2135267286, ClinGen allele CA2573146801.

ClinVar aggregate classification (germline): Uncertain significance (1 of 4 stars; one submission).

Conditions:
Jeune thoracic dystrophy. Also called: Jeune syndrome; Infantile thoracic dystrophy; Thoracic pelvic phalangeal dystrophy; Jeune's syndrome; Chondroectodermal dysplasia-like syndrome; Short-rib thoracic dysplasia. Identifiers: Orphanet 474, MedGen C0265275, MONDO:0018770.

Submission:

Labcorp Genetics (formerly Invitae), Labcorp
Classification: Uncertain significance for Jeune thoracic dystrophy. Last evaluated: 2023-08-10. Review status: criteria provided, single submitter. Criteria: Invitae Variant Classification Sherloc (09022015). Collection method: clinical testing. Allele origin: germline.
Comment: In summary, the available evidence is currently insufficient to determine the role of this variant in disease. Therefore, it has been classified as a Variant of Uncertain Significance. This sequence change replaces alanine, which is neutral and non-polar, with phenylalanine, which is neutral and non-polar, at codon 3506 of the DYNC2H1 protein (p.Ala3506Phe). Information on the frequency of this variant in the gnomAD database is not available, as this variant may be reported differently in the database. This variant has not been reported in the literature in individuals affected with DYNC2H1-related conditions. ClinVar contains an entry for this variant (Variation ID: 1390067). An algorithm developed to predict the effect of missense changes on protein structure and function (PolyPhen-2) suggests that this variant is likely to be disruptive.